The following is an entry in ClinVar:

ClinVar aggregate classification (germline): Likely benign (1 of 4 stars; one submission).

Allele frequency attached by ClinVar (database versions not stated): gnomAD exomes below 0.00001; TOPMed 0.00001; gnomAD 0.00001.

Submission:

GeneDx
Classification: Likely benign. Last evaluated: 2017-03-17. Review status: criteria provided, single submitter. Criteria: GeneDx Variant Classification (06012015). Collection method: clinical testing. Allele origin: germline. Affected: yes.
Comment: This variant is considered likely benign or benign based on one or more of the following criteria: it is a conservative change, it occurs at a poorly conserved position in the protein, it is predicted to be benign by multiple in silico algorithms, and/or has population frequency not consistent with disease.

NM_206926.2(SELENON):c.1500+12C>T

Gene: SELENON (selenoprotein N; plus strand). Cytogenetic location: 1p36.11.
Variant type: single nucleotide variant.
Coding change: c.1500+12C>T on transcript NM_206926.2 (MANE Select); 12 bases into the intron after coding-DNA position 1500, C replaced by T.
Molecular consequence: intron variant.
Genome position (GRCh38, 1-based): chr1:25,814,190, C>T. VCF-style: chr1-25814190-C-T. GRCh37 (hg19) VCF-style: chr1-26140681-C-T.
Other names: c.1602+12C>T (NM_020451.3).
Identifiers: ClinVar variation 506915 (VCV000506915.1), dbSNP rs903798730, ClinGen allele CA19699064.